The following is an entry in ClinVar:

ClinVar aggregate classification (germline): Conflicting classifications of pathogenicity. Review status: criteria provided, conflicting classifications (1 of 4 stars). 4 submissions from 4 submitters: Uncertain significance (2); Likely benign (2). Last evaluated 2026-02-01.

Conditions:
Long QT syndrome (LQTS). Identifiers: MedGen C0023976, MeSH D008133, MONDO:0002442. Disease mechanism: loss of function. Inheritance: Various modes of inheritance.
Cardiovascular phenotype. Identifiers: MedGen CN230736.

Allele frequency attached by ClinVar (database versions not stated): gnomAD 0.00003; gnomAD exomes 0.00004 and 0.00005; TOPMed 0.00004; ExAC 0.00007.
gnomAD v4.1: 76 of 1,613,944 alleles (0.0047%); highest among the groups gnomAD compares: Middle Eastern, 0.082%; no homozygotes.

Submissions (4):

CeGaT Center for Human Genetics Tuebingen
Classification: Likely benign. Last evaluated: 2026-02-01. Review status: criteria provided, single submitter. Criteria: CeGaT Center For Human Genetics Tuebingen Variant Classification Criteria Version 2. Collection method: clinical testing. Allele origin: germline. Affected: yes. Observed: 4 variant alleles.
Comment: ANK2: BP4

GeneDx
Classification: Uncertain significance. Last evaluated: 2025-12-19. Review status: criteria provided, single submitter. Criteria: GeneDx Variant Classification Process June 2021. Collection method: clinical testing. Allele origin: germline. Affected: yes.
Comment: In silico analysis suggests that this missense variant does not alter protein structure/function; Has not been previously published as pathogenic or benign to our knowledge; This variant is associated with the following publications: (PMID: 1830053, 18790697, 26109584)

Labcorp Genetics (formerly Invitae), Labcorp
Classification: Uncertain significance for Long QT syndrome. Last evaluated: 2025-01-15. Review status: criteria provided, single submitter. Criteria: Invitae Variant Classification Sherloc (09022015). Collection method: clinical testing. Allele origin: germline.
Comment: This sequence change replaces arginine, which is basic and polar, with cysteine, which is neutral and slightly polar, at codon 2069 of the ANK2 protein (p.Arg2069Cys). This variant is present in population databases (rs754572911, gnomAD 0.02%). This variant has not been reported in the literature in individuals affected with ANK2-related conditions. ClinVar contains an entry for this variant (Variation ID: 1200396). An algorithm developed to predict the effect of missense changes on protein structure and function (PolyPhen-2) suggests that this variant is likely to be disruptive. Algorithms developed to predict the effect of sequence changes on RNA splicing suggest that this variant may create or strengthen a splice site. In summary, the available evidence is currently insufficient to determine the role of this variant in disease. Therefore, it has been classified as a Variant of Uncertain Significance.

Ambry Genetics
Classification: Likely benign for Cardiovascular phenotype. Last evaluated: 2023-11-02. Review status: criteria provided, single submitter. Criteria: Ambry Variant Classification Scheme 2023. Collection method: clinical testing. Allele origin: germline.

NM_001148.6(ANK2):c.6205C>T (p.Arg2069Cys)

Genes: ANK2 (ankyrin 2; plus strand), LOC126807136 (MED14-independent group 3 enhancer GRCh37_chr4:114274931-114276130; plus strand). Cytogenetic location: 4q26.
Variant type: single nucleotide variant.
Coding change: c.6205C>T on transcript NM_001148.6 (MANE Select); coding-DNA position 6205, C replaced by T.
Protein change: p.Arg2069Cys; replaces arginine 2069 with cysteine.
Molecular consequence: missense variant. On other transcripts: intron variant (68).
Genome position (GRCh38, 1-based): chr4:113,354,823, C>T. VCF-style: chr4-113354823-C-T. GRCh37 (hg19) VCF-style: chr4-114275979-C-T.
Other names: c.5971C>T, p.Arg1991Cys (NM_001386142.1); c.2605C>T, p.Arg869Cys (NM_001386166.1); c.6346C>T, p.Arg2116Cys (NM_001386174.1); c.6322C>T, p.Arg2108Cys (NM_001386175.1); c.4411+4574C>T (NM_001386186.2, NM_001386148.2); c.4213+4574C>T (NM_001354269.3); c.4291+4574C>T (NM_001386187.2); c.4252+4574C>T (NM_001386147.1); and 35 more; short protein forms R1991C, R2069C, R2108C, R2116C, R869C.
Identifiers: ClinVar variation 1200396 (VCV001200396.32), dbSNP rs754572911, ClinGen allele CA3051383.
Genomic context (GRCh38, chr4:113,354,823, plus strand): 5'-ACAATCAAACGAGGCCAGAGACTCCCGGTAACGGGCACAGCAGAATCCAAAAGAGGAGTT[C>T]GTGTTTCCTCCATAGGAGTTAAGAAAGAAGATGCAGCTGGAGGAAAGGAGAAAGTTCTCA-3'
Protein context (NP_001139.3, residues 2059-2079): TGTAESKRGV[Arg2069Cys]VSSIGVKKED